The following is an entry in ClinVar:

ClinVar aggregate classification (germline): Uncertain significance. Review status: criteria provided, multiple submitters, no conflicts (2 of 4 stars). 2 submissions from 2 submitters: Uncertain significance (2). Last evaluated 2026-03-17.

Conditions:
Joubert syndrome. Also called: Familial aplasia of the vermis; JOUBERT-BOLTSHAUSER SYNDROME. Identifiers: Orphanet 475, MedGen C5979921, MONDO:0018772.
INPP5E-related disorder. Also called: INPP5E-related condition.

Allele frequency attached by ClinVar (database versions not stated): gnomAD 0.00001.
gnomAD v4.1: 9 of 1,610,244 alleles (0.00056%); highest among the groups gnomAD compares: South Asian, 0.0033%; no homozygotes.

Submissions (2):

PreventionGenetics, part of Exact Sciences
Classification: Uncertain significance for INPP5E-related condition. Last evaluated: 2026-03-17. Review status: criteria provided, single submitter. Criteria: ACMG Guidelines, 2015. Collection method: clinical testing. Allele origin: germline.
Comment: The INPP5E c.1501G>A variant is predicted to result in the amino acid substitution p.Val501Met. To our knowledge, this variant has not been reported in the literature. This variant is reported in 0.0051% of alleles in individuals of East Asian descent in gnomAD. At this time, the clinical significance of this variant is uncertain due to the absence of conclusive functional and genetic evidence.

Labcorp Genetics (formerly Invitae), Labcorp
Classification: Uncertain significance for Joubert syndrome. Last evaluated: 2023-10-30. Review status: criteria provided, single submitter. Criteria: Invitae Variant Classification Sherloc (09022015). Collection method: clinical testing. Allele origin: germline.
Comment: This sequence change replaces valine, which is neutral and non-polar, with methionine, which is neutral and non-polar, at codon 501 of the INPP5E protein (p.Val501Met). This variant is present in population databases (rs370876407, gnomAD 0.005%). This variant has not been reported in the literature in individuals affected with INPP5E-related conditions. ClinVar contains an entry for this variant (Variation ID: 2038399). Algorithms developed to predict the effect of missense changes on protein structure and function output the following: SIFT: "Not Available"; PolyPhen-2: "Benign"; Align-GVGD: "Not Available". The methionine amino acid residue is found in multiple mammalian species, which suggests that this missense change does not adversely affect protein function. In summary, the available evidence is currently insufficient to determine the role of this variant in disease. Therefore, it has been classified as a Variant of Uncertain Significance.

NM_019892.6(INPP5E):c.1501G>A (p.Val501Met)

Gene: INPP5E (inositol polyphosphate-5-phosphatase E; minus strand). Cytogenetic location: 9q34.3.
Variant type: single nucleotide variant.
Coding change: c.1501G>A on transcript NM_019892.6 (MANE Select); coding-DNA position 1501, G replaced by A.
Protein change: p.Val501Met; replaces valine 501 with methionine.
Molecular consequence: missense variant.
Genome position (GRCh38, 1-based): chr9:136,431,872, C>T on the plus strand (G>A on the coding strand, the complement: INPP5E is on the minus strand). VCF-style: chr9-136431872-C-T. GRCh37 (hg19) VCF-style: chr9-139326324-C-T.
Other names: c.1498G>A, p.Val500Met (NM_001318502.2); c.1501G>A (NM_019892.5); short protein forms V500M, V501M.
Identifiers: ClinVar variation 2038399 (VCV002038399.5), dbSNP rs370876407, ClinGen allele CA5336772.